The following is an entry in ClinVar:

ClinVar aggregate classification (germline): Pathogenic (1 of 4 stars; one submission).

Conditions:
Ichthyosis linearis circumflexa. Identifiers: MedGen C0265962, MONDO:0043106, HP:0025810.

Allele frequency attached by ClinVar (database versions not stated): gnomAD exomes below 0.00001 and 0.00001; gnomAD 0.00001.
gnomAD v4.1: 10 of 1,613,388 alleles (0.00062%); highest among the groups gnomAD compares: Non-Finnish European, 0.00085%; no homozygotes.

Submission:

Labcorp Genetics (formerly Invitae), Labcorp
Classification: Pathogenic for Ichthyosis linearis circumflexa. Last evaluated: 2024-03-04. Review status: criteria provided, single submitter. Criteria: Invitae Variant Classification Sherloc (09022015). Collection method: clinical testing. Allele origin: germline.
Comment: This sequence change creates a premature translational stop signal (p.Lys23*) in the SPINK5 gene. It is expected to result in an absent or disrupted protein product. Loss-of-function variants in SPINK5 are known to be pathogenic (PMID: 11511292, 11841556). This variant is present in population databases (no rsID available, gnomAD 0.002%). This variant has not been reported in the literature in individuals affected with SPINK5-related conditions. ClinVar contains an entry for this variant (Variation ID: 969619). For these reasons, this variant has been classified as Pathogenic.

Literature cited by the submitters: PubMed 11511292; PubMed 11841556.

NM_006846.4(SPINK5):c.67A>T (p.Lys23Ter)

Gene: SPINK5 (serine peptidase inhibitor Kazal type 5; plus strand). Cytogenetic location: 5q32.
Variant type: single nucleotide variant.
Coding change: c.67A>T on transcript NM_006846.4 (MANE Select); coding-DNA position 67, A replaced by T.
Protein change: p.Lys23Ter; replaces lysine 23 with a stop codon.
Molecular consequence: nonsense.
Genome position (GRCh38, 1-based): chr5:148,065,358, A>T. VCF-style: chr5-148065358-A-T. GRCh37 (hg19) VCF-style: chr5-147444921-A-T.
Other names: c.67A>T, p.Lys23Ter (NM_001127698.2, NM_001127699.2); short protein forms K23*.
Identifiers: ClinVar variation 969619 (VCV000969619.8), dbSNP rs1482249008, ClinGen allele CA361887468.
Genomic context (GRCh38, chr5:148,065,358, plus strand): 5'-TTAAATATTTTACATTTCCTTAACTTTGGTTTCTATATTTTCATCCCAGATGCTGCCAGT[A>T]AGAATGAAGATCAGGTTAGTCCTGCTTTTTCTGTTCATTGAATTCATTCCAAGATTCCCA-3'